The following is an entry in ClinVar:

ClinVar aggregate classification (germline): Uncertain significance (1 of 4 stars; one submission).

Conditions:
Inborn genetic diseases. Identifiers: MedGen C0950123, MeSH D030342.

Submission:

Ambry Genetics
Classification: Uncertain significance for Inborn genetic diseases. Last evaluated: 2025-05-25. Review status: criteria provided, single submitter. Criteria: Ambry Variant Classification Scheme 2023. Collection method: clinical testing. Allele origin: germline.
Comment: The p.K520R variant (also known as c.1559A>G), located in coding exon 15 of the ANKRD26 gene, results from an A to G substitution at nucleotide position 1559. The lysine at codon 520 is replaced by arginine, an amino acid with highly similar properties. This amino acid position is conserved. In addition, this alteration is predicted to be tolerated by in silico analysis. Based on the available evidence, the clinical significance of this variant remains unclear.

NM_014915.3(ANKRD26):c.1559A>G (p.Lys520Arg)

Gene: ANKRD26 (ankyrin repeat domain containing 26; minus strand). Cytogenetic location: 10p12.1.
Variant type: single nucleotide variant.
Coding change: c.1559A>G on transcript NM_014915.3 (MANE Select); coding-DNA position 1559, A replaced by G.
Protein change: p.Lys520Arg; replaces lysine 520 with arginine.
Molecular consequence: missense variant.
Genome position (GRCh38, 1-based): chr10:27,060,350, T>C on the plus strand (A>G on the coding strand, the complement: ANKRD26 is on the minus strand). VCF-style: chr10-27060350-T-C. GRCh37 (hg19) VCF-style: chr10-27349279-T-C.
Other names: c.1559A>G, p.Lys520Arg (NM_001256053.2); short protein forms K520R.
Identifiers: ClinVar variation 3914798 (VCV003914798.1).